The following is an entry in ClinVar:

NM_015570.4(AUTS2):c.3678G>T (p.Thr1226=)

Gene: AUTS2 (activator of transcription and developmental regulator AUTS2; plus strand). Cytogenetic location: 7q11.22.
Variant type: single nucleotide variant.
Coding change: c.3678G>T on transcript NM_015570.4 (MANE Select); coding-DNA position 3678, G replaced by T.
Protein change: p.Thr1226=; no amino-acid change (threonine 1226 retained).
Molecular consequence: synonymous variant.
Genome position (GRCh38, 1-based): chr7:70,790,894, G>T. VCF-style: chr7-70790894-G-T. GRCh37 (hg19) VCF-style: chr7-70255880-G-T.
Other names: c.3606G>T, p.Thr1202= (NM_001127231.3).
Identifiers: ClinVar variation 704865 (VCV000704865.10), dbSNP rs202106724, ClinGen allele CA4281404.

ClinVar aggregate classification (germline): Likely benign. Review status: criteria provided, multiple submitters, no conflicts (2 of 4 stars). 3 submissions from 3 submitters: Likely benign (2). 1 of the submissions does not count toward it. Last evaluated 2025-12-26.

Conditions:
AUTS2-related disorder. Also called: AUTS2-related condition.

Allele frequency attached by ClinVar (database versions not stated): ExAC 0.00001; gnomAD 0.00001 and 0.00003; TOPMed 0.00002; 1000 Genomes Project 30x 0.00031; 1000 Genomes Project 0.00040.
gnomAD v4.1: 38 of 1,596,260 alleles (0.0024%); highest among the groups gnomAD compares: East Asian, 0.065%; no homozygotes.

Submissions (3):

Labcorp Genetics (formerly Invitae), Labcorp
Classification: Likely benign. Last evaluated: 2025-12-26. Review status: criteria provided, single submitter. Criteria: Invitae Variant Classification Sherloc (09022015). Collection method: clinical testing. Allele origin: germline.

GeneDx
Classification: Likely benign. Last evaluated: 2019-12-19. Review status: criteria provided, single submitter. Criteria: GeneDx Variant Classification Process June 2021. Collection method: clinical testing. Allele origin: germline. Affected: yes.

PreventionGenetics, part of Exact Sciences
Classification: Likely benign for AUTS2-related condition. Last evaluated: 2023-04-12. Review status: no assertion criteria provided. Collection method: clinical testing. Allele origin: germline. Not counted in ClinVar's aggregate classification.
Comment: This variant is classified as likely benign based on ACMG/AMP sequence variant interpretation guidelines (Richards et al. 2015 PMID: 25741868, with internal and published modifications).